The following is an entry in ClinVar:

NM_001003800.2(BICD2):c.902A>G (p.Asn301Ser)

Gene: BICD2 (BICD cargo adaptor 2; minus strand). Cytogenetic location: 9q22.31.
Variant type: single nucleotide variant.
Coding change: c.902A>G on transcript NM_001003800.2 (MANE Select); coding-DNA position 902, A replaced by G.
Protein change: p.Asn301Ser; replaces asparagine 301 with serine.
Molecular consequence: missense variant.
Genome position (GRCh38, 1-based): chr9:92,720,460, T>C on the plus strand (A>G on the coding strand, the complement: BICD2 is on the minus strand). VCF-style: chr9-92720460-T-C. GRCh37 (hg19) VCF-style: chr9-95482742-T-C.
Other names: c.902A>G, p.Asn301Ser (NM_015250.4); short protein forms N301S.
Identifiers: ClinVar variation 1504892 (VCV001504892.9), dbSNP rs2131502289, ClinGen allele CA374043044.

ClinVar aggregate classification (germline): Uncertain significance. Review status: criteria provided, multiple submitters, no conflicts (2 of 4 stars). 3 submissions from 3 submitters: Uncertain significance (3). Last evaluated 2024-05-30.

Conditions:
Spinal muscular atrophy, lower extremity-predominant, 2b, prenatal onset, autosomal dominant. Also called: Spinal muscular atrophy, lower extremity-predominant, 2B, autosomal dominant. Identifiers: MedGen C4749003, MONDO:0032660, OMIM 618291.
Autosomal dominant childhood-onset proximal spinal muscular atrophy with contractures (SMALED2A). Also called: SPINAL MUSCULAR ATROPHY, LOWER EXTREMITY-PREDOMINANT, 2A, CHILDHOOD ONSET, AUTOSOMAL DOMINANT; Spinal muscular atrophy, lower extremity-predominant, 2A, autosomal dominant. Identifiers: Orphanet 363447, Orphanet 363454, MedGen C4747715, MONDO:0014121, OMIM 615290.
Inborn genetic diseases. Identifiers: MedGen C0950123, MeSH D030342.

Allele frequency attached by ClinVar (database versions not stated): gnomAD exomes below 0.00001.
gnomAD v4.1: 2 of 1,614,220 alleles (0.00012%); highest among the groups gnomAD compares: Non-Finnish European, 0.00017%; no homozygotes.

Submissions (3):

Fulgent Genetics
Classification: Uncertain significance for Autosomal dominant childhood-onset proximal spinal muscular atrophy with contractures; Spinal muscular atrophy, lower extremity-predominant, 2b, prenatal onset, autosomal dominant. Last evaluated: 2024-05-30. Review status: criteria provided, single submitter. Criteria: ACMG Guidelines, 2015. Collection method: clinical testing. Allele origin: germline.

Labcorp Genetics (formerly Invitae), Labcorp
Classification: Uncertain significance for Autosomal dominant childhood-onset proximal spinal muscular atrophy with contractures. Last evaluated: 2021-11-04. Review status: criteria provided, single submitter. Criteria: Invitae Variant Classification Sherloc (09022015). Collection method: clinical testing. Allele origin: germline.
Comment: In summary, the available evidence is currently insufficient to determine the role of this variant in disease. Therefore, it has been classified as a Variant of Uncertain Significance. Advanced modeling of protein sequence and biophysical properties (such as structural, functional, and spatial information, amino acid conservation, physicochemical variation, residue mobility, and thermodynamic stability) performed at Invitae indicates that this missense variant is not expected to disrupt BICD2 protein function. This variant has not been reported in the literature in individuals affected with BICD2-related conditions. This variant is not present in population databases (gnomAD no frequency). This sequence change replaces asparagine, which is neutral and polar, with serine, which is neutral and polar, at codon 301 of the BICD2 protein (p.Asn301Ser).

Ambry Genetics
Classification: Uncertain significance for Inborn genetic diseases. Last evaluated: 2021-02-09. Review status: criteria provided, single submitter. Criteria: Ambry Variant Classification Scheme 2023. Collection method: clinical testing. Allele origin: germline.
Comment: The p.N301S variant (also known as c.902A>G), located in coding exon 4 of the BICD2 gene, results from an A to G substitution at nucleotide position 902. The asparagine at codon 301 is replaced by serine, an amino acid with highly similar properties. This amino acid position is not well conserved in available vertebrate species. In addition, this alteration is predicted to be tolerated by in silico analysis. Since supporting evidence is limited at this time, the clinical significance of this alteration remains unclear.